The following is an entry in ClinVar:

ClinVar aggregate classification (germline): Pathogenic (1 of 4 stars; one submission).

Conditions:
Multiple congenital anomalies-hypotonia-seizures syndrome 1 (MCAHS1). Also called: GLYCOSYLPHOSPHATIDYLINOSITOL BIOSYNTHESIS DEFECT 3; PIGN-CDG; Congenital disorder of glycosylation due to PIGN deficiency. Identifiers: Orphanet 280633, MedGen C3279775, MONDO:0013563, OMIM 614080.

Submission:

Labcorp Genetics (formerly Invitae), Labcorp
Classification: Pathogenic for Multiple congenital anomalies-hypotonia-seizures syndrome 1. Last evaluated: 2023-03-07. Review status: criteria provided, single submitter. Criteria: Invitae Variant Classification Sherloc (09022015). Collection method: clinical testing. Allele origin: unknown.
Comment: This variant is a gross deletion of the genomic region encompassing exon(s) 26-31 of the PIGN gene, which includes the termination codon. This deletion extends beyond the assayed region for this gene and therefore may encompass additional genes. While this deletion is not anticipated to lead to nonsense mediated decay, it is expected to alter mRNA translation or result in a truncated protein product. For these reasons, this variant has been classified as Pathogenic. This variant disrupts a region of the PIGN protein in which other variant(s) (p.Gly800Glu) have been determined to be pathogenic (PMID: 34051595, 35179230). This suggests that this is a clinically significant region of the protein, and that variants that disrupt it are likely to be disease-causing. This variant has not been reported in the literature in individuals affected with PIGN-related conditions.

Literature cited by the submitters: PubMed 34051595; PubMed 35179230.

NC_000018.9:g.(?_59713089)_(59752517_?)del

Gene: PIGN (phosphatidylinositol glycan anchor biosynthesis class N; minus strand). Cytogenetic location: 18q21.33.
Variant type: Deletion.
Identifiers: ClinVar variation 3242775 (VCV003242775.1).